The following is an entry in ClinVar:

ClinVar aggregate classification (germline): Uncertain significance (1 of 4 stars; one submission).

Allele frequency attached by ClinVar (database versions not stated): TOPMed below 0.00001; gnomAD 0.00001; gnomAD exomes 0.00001.

Submission:

GeneDx
Classification: Uncertain significance. Last evaluated: 2026-08-19. Review status: criteria provided, single submitter. Criteria: GeneDx Variant Classification Process June 2021. Collection method: clinical testing. Allele origin: germline.
Comment: Not observed at significant frequency in large population cohorts (gnomAD); In silico analysis supports a deleterious effect on splicing; Has not been previously published as pathogenic or benign to our knowledge

NM_018130.3(SHQ1):c.937-3C>G

Gene: SHQ1 (SHQ1, H/ACA ribonucleoprotein assembly factor; minus strand). Cytogenetic location: 3p13.
Variant type: single nucleotide variant.
Coding change: c.937-3C>G on transcript NM_018130.3 (MANE Select); 3 bases into the intron before coding-DNA position 937, C replaced by G.
Molecular consequence: intron variant.
Genome position (GRCh38, 1-based): chr3:72,812,797, G>C on the plus strand (C>G on the coding strand, the complement: SHQ1 is on the minus strand). VCF-style: chr3-72812797-G-C. GRCh37 (hg19) VCF-style: chr3-72861948-G-C.
Identifiers: ClinVar variation 2662622 (VCV002662622.2), dbSNP rs755787043, ClinGen allele CA77311167.